The following is an entry in ClinVar:

NM_002354.3(EPCAM):c.906A>G (p.Ile302Met)

Gene: EPCAM (epithelial cell adhesion molecule; plus strand). Cytogenetic location: 2p21.
Variant type: single nucleotide variant.
Coding change: c.906A>G on transcript NM_002354.3 (MANE Select); coding-DNA position 906, A replaced by G.
Protein change: p.Ile302Met; replaces isoleucine 302 with methionine.
Molecular consequence: missense variant.
Genome position (GRCh38, 1-based): chr2:47,386,574, A>G. VCF-style: chr2-47386574-A-G. GRCh37 (hg19) VCF-style: chr2-47613713-A-G.
Other names: short protein forms I302M.
Identifiers: ClinVar variation 1765645 (VCV001765645.9), dbSNP rs778937518, ClinGen allele CA1649223.

ClinVar aggregate classification (germline): Uncertain significance. Review status: criteria provided, multiple submitters, no conflicts (2 of 4 stars). 2 submissions from 2 submitters: Uncertain significance (2). Last evaluated 2025-12-29.

Conditions:
Hereditary cancer-predisposing syndrome. Also called: Neoplastic Syndromes, Hereditary; Tumor predisposition; Hereditary Cancer Syndrome; Hereditary neoplastic syndrome. Identifiers: Orphanet 140162, MedGen C0027672, MeSH D009386, MONDO:0015356.

Allele frequency attached by ClinVar (database versions not stated): gnomAD exomes below 0.00001; ExAC 0.00001; gnomAD 0.00001; TOPMed 0.00001.
gnomAD v4.1: 4 of 1,603,284 alleles (0.00025%); highest among the groups gnomAD compares: Non-Finnish European, 0.00026%; no homozygotes.

Submissions (2):

Center for Genomic Medicine, Rigshospitalet, Copenhagen University Hospital
Classification: Uncertain significance. Last evaluated: 2025-12-29. Review status: criteria provided, single submitter. Criteria: ACMG Guidelines, 2015. Collection method: clinical testing. Allele origin: germline.

Ambry Genetics
Classification: Uncertain significance for Hereditary cancer-predisposing syndrome. Last evaluated: 2024-12-01. Review status: criteria provided, single submitter. Criteria: Ambry Variant Classification Scheme 2023. Collection method: clinical testing. Allele origin: germline.
Comment: The p.I302M variant (also known as c.906A>G), located in coding exon 9 of the EPCAM gene, results from an A to G substitution at nucleotide position 906. The isoleucine at codon 302 is replaced by methionine, an amino acid with highly similar properties. This amino acid position is conserved. In addition, this alteration is predicted to be tolerated by in silico analysis. Since supporting evidence is limited at this time, the clinical significance of this alteration remains unclear.